The following is an entry in ClinVar:

NM_000642.3(AGL):c.1319C>T (p.Ser440Phe)

Gene: AGL (amylo-alpha-1,6-glucosidase and 4-alpha-glucanotransferase; plus strand). Cytogenetic location: 1p21.2.
Variant type: single nucleotide variant.
Coding change: c.1319C>T on transcript NM_000642.3 (MANE Select); coding-DNA position 1319, C replaced by T.
Protein change: p.Ser440Phe; replaces serine 440 with phenylalanine.
Molecular consequence: missense variant.
Genome position (GRCh38, 1-based): chr1:99,876,493, C>T. VCF-style: chr1-99876493-C-T. GRCh37 (hg19) VCF-style: chr1-100342049-C-T.
Other names: p.Ser440Phe; c.1319C>T, p.Ser440Phe (NM_000028.3, NM_000643.3, NM_000644.3 and 2 more transcripts); c.1271C>T, p.Ser424Phe (NM_000646.3); c.1118C>T, p.Ser373Phe (NM_001425327.1); c.1115C>T, p.Ser372Phe (NM_001425328.1, NM_001425329.1); c.941C>T, p.Ser314Phe (NM_001425332.1); short protein forms S440F, S424F, S314F, S372F, S373F.
Identifiers: ClinVar variation 256721 (VCV000256721.22), dbSNP rs149771710, ClinGen allele CA966461.
Genomic context (GRCh38, chr1:99,876,493, plus strand): 5'-TTAATATTTAATTATATTTTCATAGGTATTTTACTTTCCCATTTGAAGAGATAGACTTCT[C>T]CATGGAAGAATCTATGATTCATCTGCCAAATAAAGCTTGTTTTCTGATGGCACACAATGG-3'
Protein context (NP_000633.2, residues 430-450): FTFPFEEIDF[Ser440Phe]MEESMIHLPN

ClinVar aggregate classification (germline): Benign/Likely benign. Review status: criteria provided, multiple submitters, no conflicts (2 of 4 stars). 8 submissions from 8 submitters: Benign (3); Likely benign (5). Last evaluated 2026-02-03.

Conditions:
Inborn genetic diseases. Identifiers: MedGen C0950123, MeSH D030342.
Glycogen storage disease type III (GSD3). Also called: FORBES DISEASE; Cori disease. Identifiers: Orphanet 366, MedGen C0017922, MONDO:0009291, OMIM 232400.

Allele frequency attached by ClinVar (database versions not stated): ESP Exome Variant Server 0.00315; TOPMed 0.00325; 1000 Genomes Project 0.00359; 1000 Genomes Project 30x 0.00422.

Submissions (8):

Labcorp Genetics (formerly Invitae), Labcorp
Classification: Benign for Glycogen storage disease type III. Last evaluated: 2026-02-03. Review status: criteria provided, single submitter. Criteria: Invitae Variant Classification Sherloc (09022015). Collection method: clinical testing. Allele origin: germline.

ARUP Laboratories, Molecular Genetics and Genomics, ARUP Laboratories
Classification: Likely benign. Last evaluated: 2024-12-12. Review status: criteria provided, single submitter. Criteria: ARUP Molecular Germline Variant Investigation Process 2024. Collection method: clinical testing. Allele origin: germline.

Blueprint Genetics
Classification: Likely benign. Last evaluated: 2024-09-11. Review status: criteria provided, single submitter. Criteria: ACMG Guidelines, 2015. Collection method: clinical testing. Allele origin: germline.

Mayo Clinic Laboratories, Mayo Clinic
Classification: Benign. Last evaluated: 2024-03-19. Review status: criteria provided, single submitter. Criteria: ACMG Guidelines, 2015. Collection method: clinical testing. Allele origin: germline. Observed: 8 variant alleles.
Comment: BA1, BP4

Ambry Genetics
Classification: Likely benign for Inborn genetic diseases. Last evaluated: 2022-01-08. Review status: criteria provided, single submitter. Criteria: Ambry Variant Classification Scheme 2023. Collection method: clinical testing. Allele origin: germline.

Genome-Nilou Lab
Classification: Benign for Glycogen storage disease type III. Last evaluated: 2021-07-15. Review status: criteria provided, single submitter. Criteria: ACMG Guidelines, 2015. Collection method: clinical testing. Allele origin: germline. Affected: no.

GeneDx
Classification: Likely benign. Last evaluated: 2021-01-20. Review status: criteria provided, single submitter. Criteria: GeneDx Variant Classification Process June 2021. Collection method: clinical testing. Allele origin: germline. Affected: yes.

PreventionGenetics, part of Exact Sciences
Classification: Likely benign. Review status: criteria provided, single submitter. Criteria: ACMG Guidelines, 2015. Collection method: clinical testing. Allele origin: germline.